The following is an entry in ClinVar:

ClinVar aggregate classification (germline): Benign. Review status: criteria provided, multiple submitters, no conflicts (2 of 4 stars). 2 submissions from 2 submitters: Benign (2). Last evaluated 2018-06-16.

Allele frequency attached by ClinVar (database versions not stated): 1000 Genomes Project 0.04026; 1000 Genomes Project 30x 0.04183; TOPMed 0.07417; gnomAD 0.08367 and 0.08452; gnomAD exomes 0.10224.
gnomAD v4.1: 48,368 of 495,061 alleles (9.8%); highest among the groups gnomAD compares: Non-Finnish European, 12%; 2,100 homozygotes.

Submissions (2):

GeneDx
Classification: Benign. Last evaluated: 2018-06-16. Review status: criteria provided, single submitter. Criteria: GeneDx Variant Classification (06012015). Collection method: clinical testing. Allele origin: germline. Affected: yes.
Comment: This variant is considered likely benign or benign based on one or more of the following criteria: it is a conservative change, it occurs at a poorly conserved position in the protein, it is predicted to be benign by multiple in silico algorithms, and/or has population frequency not consistent with disease.

Breakthrough Genomics
Classification: Benign. Review status: criteria provided, single submitter. Criteria: ACMG Guidelines, 2015. Collection method: not provided. Allele origin: germline. Inheritance: X-linked inheritance. Affected: yes.

NM_002637.4(PHKA1):c.2816-124T>C

Gene: PHKA1 (phosphorylase kinase regulatory subunit alpha 1; minus strand). Cytogenetic location: Xq13.1.
Variant type: single nucleotide variant.
Coding change: c.2816-124T>C on transcript NM_002637.4 (MANE Select); 124 bases into the intron before coding-DNA position 2816, T replaced by C.
Molecular consequence: intron variant.
Genome position (GRCh38, 1-based): chrX:72,603,344, A>G on the plus strand (T>C on the coding strand, the complement: PHKA1 is on the minus strand). VCF-style: chrX-72603344-A-G. GRCh37 (hg19) VCF-style: chrX-71823194-A-G.
Other names: c.2639-124T>C (NM_001172436.2); c.2816-124T>C (NM_001122670.2).
Identifiers: ClinVar variation 676254 (VCV000676254.2), dbSNP rs5912109, ClinGen allele CA331072058.